The following is an entry in ClinVar:

NM_006612.6(KIF1C):c.3256C>T (p.Arg1086Ter)

Gene: KIF1C (kinesin family member 1C; plus strand). Cytogenetic location: 17p13.2.
Variant type: single nucleotide variant.
Coding change: c.3256C>T on transcript NM_006612.6 (MANE Select); coding-DNA position 3256, C replaced by T.
Protein change: p.Arg1086Ter; replaces arginine 1086 with a stop codon.
Molecular consequence: nonsense.
Genome position (GRCh38, 1-based): chr17:5,024,095, C>T. VCF-style: chr17-5024095-C-T. GRCh37 (hg19) VCF-style: chr17-4927390-C-T.
Other names: short protein forms R1086*.
Identifiers: ClinVar variation 3254799 (VCV003254799.1), dbSNP rs750930666.

ClinVar aggregate classification (germline): Uncertain significance (1 of 4 stars; one submission).

Conditions:
Spastic ataxia 2. Also called: Ataxia, spastic, 2, autosomal recessive. Identifiers: Orphanet 397946, MedGen C1969796, MONDO:0012651, OMIM 611302.

Allele frequency attached by ClinVar (database versions not stated): gnomAD exomes below 0.00001; gnomAD 0.00001; ExAC 0.00002; TOPMed 0.00002.
gnomAD v4.1: 10 of 1,609,830 alleles (0.00062%); highest among the groups gnomAD compares: East Asian, 0.0022%; no homozygotes.

Submission:

Victorian Clinical Genetics Services, Murdoch Childrens Research Institute
Classification: Uncertain significance for Spastic ataxia 2. Last evaluated: 2023-07-17. Review status: criteria provided, single submitter. Criteria: ACMG Guidelines, 2015. Collection method: clinical testing. Allele origin: germline. Inheritance: Autosomal recessive inheritance. Affected: yes.
Comment: Based on the classification scheme VCGS_Germline_v1.3.4, this variant is classified as VUS-3B. Following criteria are met: 0102 - Loss of function is a known mechanism of disease in this gene and is associated with spastic ataxia 2 (MIM#611302). (I) 0106 - This gene is associated with autosomal recessive disease. (I) 0205 - Variant is predicted to result in a truncated protein (premature termination codon is NOT located at least 54 nucleotides upstream of the final exon-exon junction) with less than 1/3 of the protein sequence affected. (SP) 0251 - This variant is heterozygous. (I) 0304 - Variant is present in gnomAD (v2) <0.01 for a recessive condition (2 heterozygotes, 0 homozygotes). (SP) 0604 - Variant is not located in an established domain, motif, hotspot or informative constraint region. (I) 0705 - No comparable truncating variants have previous evidence for pathogenicity. (I) 0807 - This variant has no previous evidence of pathogenicity. (I) 0905 - No published segregation evidence has been identified for this variant. (I) 1007 - No published functional evidence has been identified for this variant. (I) Legend: (SP) - Supporting pathogenic, (I) - Information, (SB) - Supporting benign